The following is an entry in ClinVar:

ClinVar aggregate classification (germline): Conflicting classifications of pathogenicity. Review status: criteria provided, conflicting classifications (1 of 4 stars). 3 submissions from 3 submitters: Uncertain significance (1); Benign (1); Likely benign (1). Last evaluated 2025-08-11.

Conditions:
Dextro-looped transposition of the great arteries. Also called: Dextrotransposition of the great arteries. Identifiers: Orphanet 860, MedGen C3531771, MONDO:0019443, OMIM 608808, HP:0031348.
Inborn genetic diseases. Identifiers: MedGen C0950123, MeSH D030342.

Allele frequency attached by ClinVar (database versions not stated): gnomAD 0.00004; gnomAD exomes 0.00004; TOPMed 0.00004; ExAC 0.00006.

Submissions (3):

Labcorp Genetics (formerly Invitae), Labcorp
Classification: Benign for Dextro-looped transposition of the great arteries. Last evaluated: 2025-08-11. Review status: criteria provided, single submitter. Criteria: Invitae Variant Classification Sherloc (09022015). Collection method: clinical testing. Allele origin: germline.

Ambry Genetics
Classification: Likely benign for Inborn genetic diseases. Last evaluated: 2024-12-31. Review status: criteria provided, single submitter. Criteria: Ambry Variant Classification Scheme 2023. Collection method: clinical testing. Allele origin: germline.

CeGaT Center for Human Genetics Tuebingen
Classification: Uncertain significance. Last evaluated: 2022-06-01. Review status: criteria provided, single submitter. Criteria: CeGaT Center For Human Genetics Tuebingen Variant Classification Criteria Version 2. Collection method: clinical testing. Allele origin: germline. Affected: yes. Observed: 1 variant allele.
Comment: MED13L: PP2

NM_015335.5(MED13L):c.5902A>G (p.Met1968Val)

Gene: MED13L (mediator complex subunit 13L; minus strand). Cytogenetic location: 12q24.21.
Variant type: single nucleotide variant.
Coding change: c.5902A>G on transcript NM_015335.5 (MANE Select); coding-DNA position 5902, A replaced by G.
Protein change: p.Met1968Val; replaces methionine 1968 with valine.
Molecular consequence: missense variant.
Genome position (GRCh38, 1-based): chr12:115,970,759, T>C on the plus strand (A>G on the coding strand, the complement: MED13L is on the minus strand). VCF-style: chr12-115970759-T-C. GRCh37 (hg19) VCF-style: chr12-116408564-T-C.
Other names: c.5902A>G (NM_015335.4); short protein forms M1968V.
Identifiers: ClinVar variation 2187748 (VCV002187748.29), dbSNP rs773154606, ClinGen allele CA6810471.